The following is an entry in ClinVar:

ClinVar aggregate classification (germline): Benign/Likely benign. Review status: criteria provided, multiple submitters, no conflicts (2 of 4 stars). 21 submissions from 21 submitters: Benign (4); Likely benign (12). 5 of the submissions do not count toward it. Last evaluated 2026-09-01.

Conditions:
Inborn genetic diseases. Identifiers: MedGen C0950123, MeSH D030342.
Wilson disease (WND). Also called: Wilson's disease. Identifiers: Orphanet 905, MedGen C0019202, MONDO:0010200, OMIM 277900. Disease mechanism: loss of function.

Allele frequency attached by ClinVar (database versions not stated): 1000 Genomes Project 0.00160; ESP Exome Variant Server 0.00190; 1000 Genomes Project 30x 0.00219; TOPMed 0.00234; gnomAD exomes 0.00314 and 0.00366; gnomAD 0.00321 and 0.00329; ExAC 0.00325.
gnomAD v4.1: 5,790 of 1,614,198 alleles (0.36%); highest among the groups gnomAD compares: Non-Finnish European, 0.42%; 13 homozygotes.

Submissions (21):

CeGaT Center for Human Genetics Tuebingen
Classification: Likely benign. Last evaluated: 2026-09-01. Review status: criteria provided, single submitter. Criteria: CeGaT Center For Human Genetics Tuebingen Variant Classification Criteria Version 2. Collection method: clinical testing. Allele origin: germline. Affected: yes. Observed: 52 variant alleles.
Comment: ATP7B: BP4, BS2

Labcorp Genetics (formerly Invitae), Labcorp
Classification: Benign for Wilson disease. Last evaluated: 2026-02-03. Review status: criteria provided, single submitter. Criteria: Invitae Variant Classification Sherloc (09022015). Collection method: clinical testing. Allele origin: germline.

Mayo Clinic Laboratories, Mayo Clinic
Classification: Likely benign. Last evaluated: 2025-09-06. Review status: criteria provided, single submitter. Criteria: ACMG Guidelines, 2015. Collection method: clinical testing. Allele origin: germline. Observed: 16 variant alleles.
Comment: BS1, BS2, BP4, BP7

ARUP Laboratories, Molecular Genetics and Genomics, ARUP Laboratories
Classification: Benign for Wilson disease. Last evaluated: 2025-04-21. Review status: criteria provided, single submitter. Criteria: ARUP Molecular Germline Variant Investigation Process 2024. Collection method: clinical testing. Allele origin: germline.

Blueprint Genetics
Classification: Likely benign. Last evaluated: 2024-11-26. Review status: criteria provided, single submitter. Criteria: ACMG Guidelines, 2015. Collection method: clinical testing. Allele origin: germline.

All of Us Research Program, National Institutes of Health
Classification: Likely benign for Wilson disease. Last evaluated: 2024-09-27. Review status: criteria provided, single submitter. Criteria: ACMG Guidelines, 2015. Collection method: clinical testing. Allele origin: germline. Inheritance: Autosomal recessive inheritance. Observed: 983 variant alleles, 979 heterozygotes, 2 homozygotes, 2 hemizygotes.
Comment: This study involves interpretation of variants in research participants for the purpose of population health screening. Participant phenotype was not available at the time of variant classification. Additional details can be found in publication PMID: 35346344, PMCID: PMC8962531

Color Diagnostics, LLC DBA Color Health
Classification: Likely benign for Wilson disease. Last evaluated: 2022-08-10. Review status: criteria provided, single submitter. Criteria: ACMG Guidelines, 2015. Collection method: clinical testing. Allele origin: germline.

Ambry Genetics
Classification: Likely benign for Inborn genetic diseases. Last evaluated: 2022-06-30. Review status: criteria provided, single submitter. Criteria: Ambry Variant Classification Scheme 2023. Collection method: clinical testing. Allele origin: germline.

Fulgent Genetics
Classification: Likely benign for Wilson disease. Last evaluated: 2021-12-29. Review status: criteria provided, single submitter. Criteria: ACMG Guidelines, 2015. Collection method: clinical testing. Allele origin: unknown.

GeneDx
Classification: Benign. Last evaluated: 2020-05-04. Review status: criteria provided, single submitter. Criteria: GeneDx Variant Classification Process June 2021. Collection method: clinical testing. Allele origin: germline. Affected: yes.
Comment: This variant is associated with the following publications: (PMID: 10502777, 18371106, 28776642, 9671269)

Women's Health and Genetics/Laboratory Corporation of America, LabCorp
Classification: Likely benign. Last evaluated: 2020-03-05. Review status: criteria provided, single submitter. Criteria: LabCorp Variant Classification Summary - May 2015. Collection method: clinical testing. Allele origin: germline.

Illumina Laboratory Services, Illumina
Classification: Likely benign for Wilson disease. Last evaluated: 2019-05-02. Review status: criteria provided, single submitter. Criteria: ICSL Variant Classification Criteria 13 December 2019. Collection method: clinical testing. Allele origin: germline.
Comment: This variant was observed as part of a predisposition screen in an ostensibly healthy population. A literature search was performed for the gene, cDNA change, and amino acid change (where applicable). Publications were found based on this search. The evidence from the literature, in combination with allele frequency data from public databases where available, was sufficient to determine this variant is unlikely to cause disease. Therefore, this variant is classified as likely benign.

Eurofins Ntd Llc (ga)
Classification: Likely benign. Last evaluated: 2016-09-13. Review status: criteria provided, single submitter. Criteria: EGL Classification Definitions 2015. Collection method: clinical testing. Allele origin: germline. Observed: 1 variant allele, 1 heterozygote.

Genetic Services Laboratory, University of Chicago
Classification: Benign. Last evaluated: 2013-02-08. Review status: criteria provided, single submitter. Criteria: ACMG Guidelines, 2007. Collection method: clinical testing. Allele origin: germline. Inheritance: Autosomal recessive inheritance.

Breakthrough Genomics
Classification: Likely benign. Review status: criteria provided, single submitter. Criteria: ACMG Guidelines, 2015. Collection method: not provided. Allele origin: germline. Inheritance: Autosomal recessive inheritance. Affected: yes.

PreventionGenetics, part of Exact Sciences
Classification: Likely benign. Review status: criteria provided, single submitter. Criteria: ACMG Guidelines, 2015. Collection method: clinical testing. Allele origin: germline.

Natera, Inc.
Classification: Likely benign for Wilson disease. Last evaluated: 2020-04-15. Review status: no assertion criteria provided. Collection method: clinical testing. Allele origin: germline. Not counted in ClinVar's aggregate classification.

Clinical Genetics DNA and cytogenetics Diagnostics Lab, Erasmus MC, Erasmus Medical Center
Classification: Likely benign. Review status: no assertion criteria provided. Collection method: clinical testing. Allele origin: germline. Affected: yes. Study: VKGL Data-share Consensus. Not counted in ClinVar's aggregate classification.

Clinical Genetics, Academic Medical Center
Classification: Benign. Review status: no assertion criteria provided. Collection method: clinical testing. Allele origin: germline. Affected: yes. Study: VKGL Data-share Consensus. Not counted in ClinVar's aggregate classification.

Genome Diagnostics Laboratory, Amsterdam University Medical Center
Classification: Benign. Review status: no assertion criteria provided. Collection method: clinical testing. Allele origin: germline. Affected: yes. Study: VKGL Data-share Consensus. Not counted in ClinVar's aggregate classification.

Genome Diagnostics Laboratory, University Medical Center Utrecht
Classification: Benign. Review status: no assertion criteria provided. Collection method: clinical testing. Allele origin: germline. Affected: yes. Study: VKGL Data-share Consensus. Not counted in ClinVar's aggregate classification.

Literature cited by the submitters: PubMed 10502777 (cited by Women's Health and Genetics/Laboratory Corporation of America, LabCorp and Illumina Laboratory Services, Illumina); PubMed 18371106 (cited by Women's Health and Genetics/Laboratory Corporation of America, LabCorp and Illumina Laboratory Services, Illumina); PubMed 9671269 (cited by Women's Health and Genetics/Laboratory Corporation of America, LabCorp); PubMed 15967699 (cited by Women's Health and Genetics/Laboratory Corporation of America, LabCorp and Illumina Laboratory Services, Illumina); PubMed 23518715 (cited by Women's Health and Genetics/Laboratory Corporation of America, LabCorp); PubMed 24023303 (cited by Women's Health and Genetics/Laboratory Corporation of America, LabCorp); PubMed 15337266 (cited by Illumina Laboratory Services, Illumina).

NM_000053.4(ATP7B):c.2175G>A (p.Arg725=)

Gene: ATP7B (ATPase copper transporting beta; minus strand). Cytogenetic location: 13q14.3.
Variant type: single nucleotide variant.
Coding change: c.2175G>A on transcript NM_000053.4 (MANE Select); coding-DNA position 2175, G replaced by A.
Protein change: p.Arg725=; no amino-acid change (arginine 725 retained).
Molecular consequence: synonymous variant. On other transcripts: intron variant (2).
Genome position (GRCh38, 1-based): chr13:51,958,491, C>T on the plus strand (G>A on the coding strand, the complement: ATP7B is on the minus strand). VCF-style: chr13-51958491-C-T. GRCh37 (hg19) VCF-style: chr13-52532627-C-T.
Other names: p.Arg725=; c.1842G>A, p.Arg614= (NM_001243182.2); c.1923G>A, p.Arg641= (NM_001330579.2); c.1870-884G>A (NM_001005918.3); c.2122-884G>A (NM_001330578.2).
Identifiers: ClinVar variation 157936 (VCV000157936.85), dbSNP rs61733684, ClinGen allele CA171296.
Genomic context (GRCh38, chr13:51,958,491, plus strand): 5'-CAGAGAATAAACATAAGCAATGCTTGTGGCCAGGACGATGAGCACGTCCATGTTGGCTGA[C>T]CTGTGTCTCAGAGATTTGTAGGCCTGAACGTAGAAGTACCACCCACCGAGGAGCTGAAAG-3'
Protein context (NP_000044.2, residues 715-735): YVQAYKSLRH[Arg725=]SANMDVLIVL